The following is an entry in ClinVar:

ClinVar aggregate classification (germline): Uncertain significance (1 of 4 stars; one submission).

Submission:

GeneDx
Classification: Uncertain significance. Last evaluated: 2023-01-09. Review status: criteria provided, single submitter. Criteria: GeneDx Variant Classification Process June 2021. Collection method: clinical testing. Allele origin: germline. Affected: yes.
Comment: Not observed at significant frequency in large population cohorts (gnomAD); Has not been previously published as pathogenic or benign to our knowledge; In silico analysis is inconclusive as to whether the variant alters gene splicing. In the absence of RNA/functional studies, the actual effect of this sequence change is unknown.

NM_001330078.2(NRXN1):c.2118C>T (p.Gly706=)

Gene: NRXN1 (neurexin 1; minus strand). Cytogenetic location: 2p16.3.
Variant type: single nucleotide variant.
Coding change: c.2118C>T on transcript NM_001330078.2 (MANE Select); coding-DNA position 2118, C replaced by T.
Protein change: p.Gly706=; no amino-acid change (glycine 706 retained).
Molecular consequence: synonymous variant.
Genome position (GRCh38, 1-based): chr2:50,538,278, G>A on the plus strand (C>T on the coding strand, the complement: NRXN1 is on the minus strand). VCF-style: chr2-50538278-G-A. GRCh37 (hg19) VCF-style: chr2-50765416-G-A.
Other names: c.2238C>T, p.Gly746= (NM_001135659.3); c.2094C>T, p.Gly698= (NM_001330077.2, NM_001330082.2, NM_001330095.2); c.2079C>T, p.Gly693= (NM_001330083.2, NM_001330084.2); c.2118C>T, p.Gly706= (NM_001330085.2, NM_001330086.2, NM_004801.6); c.2034C>T, p.Gly678= (NM_001330087.2, NM_001330096.2); c.2064C>T, p.Gly688= (NM_001330088.2); c.2115C>T, p.Gly705= (NM_001330093.2); c.2106C>T, p.Gly702= (NM_001330094.2).
Identifiers: ClinVar variation 2571922 (VCV002571922.1), dbSNP rs2465663722, ClinGen allele CA426023140.
Genomic context (GRCh38, chr2:50,538,278, plus strand): 5'-TCAGGGAGTTGGCTGCTGGGGTTTTAGAATCCTACCTCTCTCACAGGACCTGCCAAGATA[G>A]CCTGTTCCGGAACAATCACAGACATATCTGTTCCACCCATCCCTGCACATGCCATTGTTT-3'
Protein context (NP_001317007.1, residues 696-716): NRYVCDCSGT[Gly706=]YLGRSCEREA